The following is an entry in ClinVar:

ClinVar aggregate classification (germline): Uncertain significance (1 of 4 stars; one submission).

Submission:

Labcorp Genetics (formerly Invitae), Labcorp
Classification: Uncertain significance. Last evaluated: 2022-08-23. Review status: criteria provided, single submitter. Criteria: Invitae Variant Classification Sherloc (09022015). Collection method: clinical testing. Allele origin: germline.
Comment: In summary, the available evidence is currently insufficient to determine the role of this variant in disease. Therefore, it has been classified as a Variant of Uncertain Significance. This sequence change replaces leucine, which is neutral and non-polar, with valine, which is neutral and non-polar, at codon 325 of the IL12RB2 protein (p.Leu325Val). This variant is not present in population databases (gnomAD no frequency). This variant has not been reported in the literature in individuals affected with IL12RB2-related conditions. Algorithms developed to predict the effect of missense changes on protein structure and function output the following: SIFT: "Tolerated"; PolyPhen-2: "Possibly Damaging"; Align-GVGD: "Class C0". The valine amino acid residue is found in multiple mammalian species, which suggests that this missense change does not adversely affect protein function.

NM_001374259.2(IL12RB2):c.973T>G (p.Leu325Val)

Gene: IL12RB2 (interleukin 12 receptor subunit beta 2; plus strand). Cytogenetic location: 1p31.3.
Variant type: single nucleotide variant.
Coding change: c.973T>G on transcript NM_001374259.2 (MANE Select); coding-DNA position 973, T replaced by G.
Protein change: p.Leu325Val; replaces leucine 325 with valine.
Molecular consequence: missense variant. On other transcripts: non-coding transcript variant (2).
Genome position (GRCh38, 1-based): chr1:67,338,638, T>G. VCF-style: chr1-67338638-T-G. GRCh37 (hg19) VCF-style: chr1-67804321-T-G.
Other names: c.973T>G, p.Leu325Val (NM_001258214.1, NM_001258215.1, NM_001258216.1 and 2 more transcripts); short protein forms L325V.
Identifiers: ClinVar variation 1999012 (VCV001999012.4), dbSNP rs2526059606, ClinGen allele CA340734664.